The following is an entry in ClinVar:

ClinVar aggregate classification (germline): Benign. Review status: criteria provided, multiple submitters, no conflicts (2 of 4 stars). 4 submissions from 4 submitters: Benign (3). 1 of the submissions does not count toward it. Last evaluated 2019-12-31.

Conditions:
KIF21A-related disorder. Also called: KIF21A-related condition.
Congenital fibrosis of extraocular muscles type 1. Also called: CFEOM3B; BLEPHAROPTOSIS WITH ABSENT EYE MOVEMENTS; OPHTHALMOPLEGIA, CONGENITAL; FEOM1 LOCUS. Identifiers: MedGen C1851102, MONDO:0021083, OMIM 135700.

Allele frequency attached by ClinVar (database versions not stated): ESP Exome Variant Server 0.00154; 1000 Genomes Project 0.00779; gnomAD 0.00220 and 0.00279; gnomAD exomes 0.00265 and 0.00570; 1000 Genomes Project 30x 0.00734; TOPMed 0.00386; ExAC 0.00571.
gnomAD v4.1: 4,301 of 1,613,432 alleles (0.27%); highest among the groups gnomAD compares: East Asian, 4.3%; 54 homozygotes.

Submissions (4):

Labcorp Genetics (formerly Invitae), Labcorp
Classification: Benign. Last evaluated: 2019-12-31. Review status: criteria provided, single submitter. Criteria: Invitae Variant Classification Sherloc (09022015). Collection method: clinical testing. Allele origin: germline.

Illumina Laboratory Services, Illumina
Classification: Benign for Congenital fibrosis of extraocular muscles type 1. Last evaluated: 2018-01-13. Review status: criteria provided, single submitter. Criteria: ICSL Variant Classification Criteria 13 December 2019. Collection method: clinical testing. Allele origin: germline.
Comment: This variant was observed in the ICSL laboratory as part of a predisposition screen in an ostensibly healthy population. It had not been previously curated by ICSL or reported in the Human Gene Mutation Database (HGMD: prior to June 1st, 2018), and was therefore a candidate for classification through an automated scoring system. Utilizing variant allele frequency, disease prevalence and penetrance estimates, and inheritance mode, an automated score was calculated to assess if this variant is too frequent to cause the disease. Based on the score and internal cut-off values, a variant classified as benign is not then subjected to further curation. The score for this variant resulted in a classification of benign for this disease.

Breakthrough Genomics
Classification: Benign. Review status: criteria provided, single submitter. Criteria: ACMG Guidelines, 2015. Collection method: not provided. Allele origin: germline. Inheritance: Autosomal dominant inheritance. Affected: yes.

PreventionGenetics, part of Exact Sciences
Classification: Benign for KIF21A-related condition. Last evaluated: 2019-02-28. Review status: no assertion criteria provided. Collection method: clinical testing. Allele origin: germline. Not counted in ClinVar's aggregate classification.
Comment: This variant is classified as benign based on ACMG/AMP sequence variant interpretation guidelines (Richards et al. 2015 PMID: 25741868, with internal and published modifications).

NM_001173464.2(KIF21A):c.903T>A (p.Leu301=)

Gene: KIF21A (kinesin family member 21A; minus strand). Cytogenetic location: 12q12.
Variant type: single nucleotide variant.
Coding change: c.903T>A on transcript NM_001173464.2 (MANE Select); coding-DNA position 903, T replaced by A.
Protein change: p.Leu301=; no amino-acid change (leucine 301 retained).
Molecular consequence: synonymous variant.
Genome position (GRCh38, 1-based): chr12:39,366,350, A>T on the plus strand (T>A on the coding strand, the complement: KIF21A is on the minus strand). VCF-style: chr12-39366350-A-T. GRCh37 (hg19) VCF-style: chr12-39760152-A-T.
Other names: c.903T>A, p.Leu301= (NM_001173463.2, NM_001173465.2, NM_017641.4); c.903T>A (NM_001173464.1).
Identifiers: ClinVar variation 308587 (VCV000308587.12), dbSNP rs78806233, ClinGen allele CA6511175.